The following is an entry in ClinVar:

NM_000245.4(MET):c.3716A>G (p.Asn1239Ser)

Gene: MET (MET proto-oncogene, receptor tyrosine kinase; plus strand). Cytogenetic location: 7q31.2.
Variant type: single nucleotide variant.
Coding change: c.3716A>G on transcript NM_000245.4 (MANE Select); coding-DNA position 3716, A replaced by G.
Protein change: p.Asn1239Ser; replaces asparagine 1239 with serine.
Molecular consequence: missense variant.
Genome position (GRCh38, 1-based): chr7:116,783,387, A>G. VCF-style: chr7-116783387-A-G. GRCh37 (hg19) VCF-style: chr7-116423441-A-G.
Other names: c.3770A>G (NM_001127500.2); c.3770A>G, p.Asn1257Ser (NM_001127500.3); c.2426A>G, p.Asn809Ser (NM_001324402.2); short protein forms N1239S, N1257S, N809S.
Identifiers: ClinVar variation 2662100 (VCV002662100.3), dbSNP rs1362733840, ClinGen allele CA368991719.

ClinVar aggregate classification (germline): Uncertain significance. Review status: criteria provided, multiple submitters, no conflicts (2 of 4 stars). 3 submissions from 3 submitters: Uncertain significance (3). Last evaluated 2026-04-26.

Conditions:
MET-related disorder. Also called: MET-related condition.
Hereditary cancer-predisposing syndrome. Also called: Tumor predisposition; Hereditary Cancer Syndrome; Hereditary neoplastic syndrome; Neoplastic Syndromes, Hereditary. Identifiers: Orphanet 140162, MedGen C0027672, MeSH D009386, MONDO:0015356.

Allele frequency attached by ClinVar (database versions not stated): gnomAD exomes below 0.00001.
gnomAD v4.1: 1 of 1,614,192 alleles (0.000062%); highest among the groups gnomAD compares: Non-Finnish European, 0.000085%; no homozygotes.

Submissions (3):

Ambry Genetics
Classification: Uncertain significance for Hereditary cancer-predisposing syndrome. Last evaluated: 2026-04-26. Review status: criteria provided, single submitter. Criteria: Ambry Variant Classification Scheme 2023. Collection method: clinical testing. Allele origin: germline.
Comment: The p.N1257S variant (also known as c.3770A>G), located in coding exon 18 of the MET gene, results from an A to G substitution at nucleotide position 3770. The asparagine at codon 1257 is replaced by serine, an amino acid with highly similar properties. This amino acid position is conserved. In addition, the in silico prediction for this alteration is inconclusive. Based on the available evidence, the clinical significance of this variant remains unclear.

PreventionGenetics, part of Exact Sciences
Classification: Uncertain significance for MET-related condition. Last evaluated: 2025-07-23. Review status: criteria provided, single submitter. Criteria: ACMG Guidelines, 2015. Collection method: clinical testing. Allele origin: germline.
Comment: The MET c.3770A>G variant is predicted to result in the amino acid substitution p.Asn1257Ser. This variant is also known as c.3716A>G (p.Asn1239Ser) on the primary clinically relevant transcript (NM_000245). To our knowledge, this variant has not been reported in the literature. This variant is reported in 0.00088% of alleles in individuals of European (Non-Finnish) descent in gnomAD and is reported as a variant of uncertain significance in ClinVar (Variation ID: 2662100). At this time, the clinical significance of this variant is uncertain due to the absence of conclusive functional and genetic evidence.

GeneDx
Classification: Uncertain significance. Last evaluated: 2023-04-14. Review status: criteria provided, single submitter. Criteria: GeneDx Variant Classification Process June 2021. Collection method: clinical testing. Allele origin: germline. Affected: yes.
Comment: Not observed at significant frequency in large population cohorts (gnomAD); In silico analysis supports that this missense variant does not alter protein structure/function; Has not been previously published as pathogenic or benign to our knowledge